The following is an entry in ClinVar:

NM_000090.4(COL3A1):c.1509+5A>G

Gene: COL3A1 (collagen type III alpha 1 chain; plus strand). Cytogenetic location: 2q32.2.
Variant type: single nucleotide variant.
Coding change: c.1509+5A>G on transcript NM_000090.4 (MANE Select); 5 bases into the intron after coding-DNA position 1509, A replaced by G.
Molecular consequence: intron variant.
Genome position (GRCh38, 1-based): chr2:188,995,104, A>G. VCF-style: chr2-188995104-A-G. GRCh37 (hg19) VCF-style: chr2-189859830-A-G.
Identifiers: ClinVar variation 333053 (VCV000333053.22), dbSNP rs572863064, ClinGen allele CA074413.

ClinVar aggregate classification (germline): Benign/Likely benign. Review status: criteria provided, multiple submitters, no conflicts (2 of 4 stars). 5 submissions from 5 submitters: Benign (1); Likely benign (4). Last evaluated 2025-11-27.

Conditions:
Familial thoracic aortic aneurysm and aortic dissection (TAAD). Also called: Thoracic aortic aneurysms and dissections. Identifiers: Orphanet 91387, MedGen C4707243, MONDO:0019625.
Ehlers-Danlos syndrome, type 4 (EDSVASC). Also called: Ehlers-Danlos Syndrome Type IV; Ehlers-Danlos syndrome vascular type; Ehlers Danlos syndrome, ecchymotic type; Ehlers Danlos syndrome, arterial type; Ehlers Danlos syndrome, Sack-Barabas type. Identifiers: Orphanet 286, MedGen C0268338, MONDO:0017314, OMIM 130050.

Allele frequency attached by ClinVar (database versions not stated): gnomAD below 0.00001 and 0.00006; TOPMed 0.00001; gnomAD exomes 0.00005 and 0.00012; ExAC 0.00012; 1000 Genomes Project 0.00020; 1000 Genomes Project 30x 0.00031.
gnomAD v4.1: 78 of 1,613,996 alleles (0.0048%); highest among the groups gnomAD compares: South Asian, 0.081%; 1 homozygote.

Submissions (5):

Labcorp Genetics (formerly Invitae), Labcorp
Classification: Likely benign for Ehlers-Danlos syndrome, type 4. Last evaluated: 2025-11-27. Review status: criteria provided, single submitter. Criteria: Invitae Variant Classification Sherloc (09022015). Collection method: clinical testing. Allele origin: germline.

All of Us Research Program, National Institutes of Health
Classification: Likely benign for Ehlers-Danlos syndrome, type 4. Last evaluated: 2024-08-29. Review status: criteria provided, single submitter. Criteria: ACMG Guidelines, 2015. Collection method: clinical testing. Allele origin: germline. Inheritance: Autosomal dominant inheritance. Observed: 4 variant alleles, 4 heterozygotes.
Comment: This study involves interpretation of variants in research participants for the purpose of population health screening. Participant phenotype was not available at the time of variant classification. Additional details can be found in publication PMID: 35346344, PMCID: PMC8962531

GeneDx
Classification: Likely benign. Last evaluated: 2020-03-18. Review status: criteria provided, single submitter. Criteria: GeneDx Variant Classification Process June 2021. Collection method: clinical testing. Allele origin: germline. Affected: yes.

Color Diagnostics, LLC DBA Color Health
Classification: Likely benign for Familial thoracic aortic aneurysm and aortic dissection. Last evaluated: 2019-02-16. Review status: criteria provided, single submitter. Criteria: ACMG Guidelines, 2015. Collection method: clinical testing. Allele origin: germline.

Illumina Laboratory Services, Illumina
Classification: Benign for Ehlers-Danlos syndrome, type 4. Last evaluated: 2018-01-12. Review status: criteria provided, single submitter. Criteria: ICSL Variant Classification Criteria 13 December 2019. Collection method: clinical testing. Allele origin: germline.
Comment: This variant was observed in the ICSL laboratory as part of a predisposition screen in an ostensibly healthy population. It had not been previously curated by ICSL or reported in the Human Gene Mutation Database (HGMD: prior to June 1st, 2018), and was therefore a candidate for classification through an automated scoring system. Utilizing variant allele frequency, disease prevalence and penetrance estimates, and inheritance mode, an automated score was calculated to assess if this variant is too frequent to cause the disease. Based on the score and internal cut-off values, a variant classified as benign is not then subjected to further curation. The score for this variant resulted in a classification of benign for this disease.